The following is an entry in ClinVar:

ClinVar aggregate classification (germline): Uncertain significance. Review status: criteria provided, multiple submitters, no conflicts (2 of 4 stars). 3 submissions from 3 submitters: Uncertain significance (3). Last evaluated 2025-01-17.

Conditions:
Inborn genetic diseases. Identifiers: MedGen C0950123, MeSH D030342.
Hereditary spastic paraplegia 11. Also called: SPASTIC PARAPLEGIA, AUTOSOMAL RECESSIVE, COMPLICATED, WITH THIN CORPUS CALLOSUM; SPASTIC PARAPLEGIA, AUTOSOMAL RECESSIVE, WITH MENTAL IMPAIRMENT AND THIN CORPUS CALLOSUM; Spastic paraplegia, mental retardation and thin corpus callosum; Nakamura Osame syndrome; Autosomal recessive hereditary spastic paraplegia, mental impairment, and thin corpus callosum; Spastic Paraplegia 11. Identifiers: Orphanet 2822, MedGen C1858479, MONDO:0011445, OMIM 604360.

Allele frequency attached by ClinVar (database versions not stated): gnomAD exomes below 0.00001 and 0.00001; gnomAD 0.00001; TOPMed 0.00001.
gnomAD v4.1: 17 of 1,614,014 alleles (0.0011%); highest among the groups gnomAD compares: African/African-American, 0.0013%; no homozygotes.

Submissions (3):

GeneDx
Classification: Uncertain significance. Last evaluated: 2025-01-17. Review status: criteria provided, single submitter. Criteria: GeneDx Variant Classification Process June 2021. Collection method: clinical testing. Allele origin: germline. Affected: yes.
Comment: Not observed at significant frequency in large population cohorts (gnomAD); In silico analysis indicates that this missense variant does not alter protein structure/function; Has not been previously published as pathogenic or benign to our knowledge

Labcorp Genetics (formerly Invitae), Labcorp
Classification: Uncertain significance for Hereditary spastic paraplegia 11. Last evaluated: 2021-08-31. Review status: criteria provided, single submitter. Criteria: Invitae Variant Classification Sherloc (09022015). Collection method: clinical testing. Allele origin: germline.
Comment: This sequence change replaces lysine with glutamine at codon 1983 of the SPG11 protein (p.Lys1983Gln). The lysine residue is moderately conserved and there is a small physicochemical difference between lysine and glutamine. This variant is not present in population databases (ExAC no frequency). This variant has not been reported in the literature in individuals affected with SPG11-related conditions. ClinVar contains an entry for this variant (Variation ID: 858559). Algorithms developed to predict the effect of missense changes on protein structure and function (SIFT, PolyPhen-2, Align-GVGD) all suggest that this variant is likely to be tolerated. In summary, the available evidence is currently insufficient to determine the role of this variant in disease. Therefore, it has been classified as a Variant of Uncertain Significance.

Ambry Genetics
Classification: Uncertain significance for Inborn genetic diseases. Last evaluated: 2020-05-19. Review status: criteria provided, single submitter. Criteria: Ambry Variant Classification Scheme 2023. Collection method: clinical testing. Allele origin: germline.
Comment: The p.K1983Q variant (also known as c.5947A>C), located in coding exon 31 of the SPG11 gene, results from an A to C substitution at nucleotide position 5947. The lysine at codon 1983 is replaced by glutamine, an amino acid with similar properties. This amino acid position is poorly conserved in available vertebrate species. In addition, this alteration is predicted to be tolerated by in silico analysis. Since supporting evidence is limited at this time, the clinical significance of this alteration remains unclear.

NM_025137.4(SPG11):c.5947A>C (p.Lys1983Gln)

Gene: SPG11 (SPG11 vesicle trafficking associated, spatacsin; minus strand). Cytogenetic location: 15q21.1.
Variant type: single nucleotide variant.
Coding change: c.5947A>C on transcript NM_025137.4 (MANE Select); coding-DNA position 5947, A replaced by C.
Protein change: p.Lys1983Gln; replaces lysine 1983 with glutamine.
Molecular consequence: missense variant. On other transcripts: intron variant (1).
Genome position (GRCh38, 1-based): chr15:44,574,961, T>G on the plus strand (A>C on the coding strand, the complement: SPG11 is on the minus strand). VCF-style: chr15-44574961-T-G. GRCh37 (hg19) VCF-style: chr15-44867159-T-G.
Other names: c.5867-2141A>C (NM_001160227.2); short protein forms K1983Q.
Identifiers: ClinVar variation 858559 (VCV000858559.9), dbSNP rs1198502086, ClinGen allele CA392218796.